The following is an entry in ClinVar:

ClinVar aggregate classification (germline): Pathogenic. Review status: reviewed by expert panel (3 of 4 stars). 5 submissions from 5 submitters: Pathogenic (1). 4 of the submissions do not count toward it. Last evaluated 2017-03-17.

Conditions:
CFTR-related disorder (CFTR-RD). Also called: CFTR-related condition; CFTR-related disorders. Identifiers: MedGen C5924204, MONDO:7770004.
Cystic fibrosis (CF). Also called: MUCOVISCIDOSIS. Identifiers: Orphanet 586, MedGen C0010674, MONDO:0009061, OMIM 219700. Disease mechanism: loss of function.

gnomAD v4.1: 3 of 1,571,902 alleles (0.00019%); highest among the groups gnomAD compares: Non-Finnish European, 0.00026%; no homozygotes.

Submissions (5):

CFTR2
Classification: Pathogenic for Cystic fibrosis. Last evaluated: 2017-03-17. Review status: reviewed by expert panel. Criteria: Sosnay PR et al. (Nat Genet 2013). Collection method: research. Allele origin: germline. Affected: yes. Study: CFTR2.

Natera, Inc.
Classification: Pathogenic for CFTR-related disorders. Last evaluated: 2025-01-23. Review status: criteria provided, single submitter. Criteria: Natera Variant Classification Schema (03/2026). Collection method: clinical testing. Allele origin: germline. Not counted in ClinVar's aggregate classification.
Comment: The c.1203G>A variant in CFTR is a nonsense variant predicted to introduce a stop codon at amino acid 401. This variant is expected to result in nonsense mediated decay, truncation, or a dysfunctional protein product. This variant is rare in the general population with a frequency below the threshold expected for the associated phenotype(s). This variant has been observed in one or more individuals affected with the associated recessive disease, as either homozygous or compound heterozygous with a second variant (PMID: 27475719, 12829453). Given the available evidence, this variant is classified as Pathogenic.

Labcorp Genetics (formerly Invitae), Labcorp
Classification: Pathogenic for Cystic fibrosis. Last evaluated: 2022-05-18. Review status: criteria provided, single submitter. Criteria: Invitae Variant Classification Sherloc (09022015). Collection method: clinical testing. Allele origin: germline. Not counted in ClinVar's aggregate classification.
Comment: For these reasons, this variant has been classified as Pathogenic. ClinVar contains an entry for this variant (Variation ID: 53213). This premature translational stop signal has been observed in individual(s) with cystic fibrosis (PMID: 7508414, 23974870). This variant is present in population databases (rs397508175, gnomAD 0.0009%). This sequence change creates a premature translational stop signal (p.Trp401*) in the CFTR gene. It is expected to result in an absent or disrupted protein product. Loss-of-function variants in CFTR are known to be pathogenic (PMID: 1695717, 7691345, 9725922).

CFTR-France
Classification: Pathogenic for cystic fibrosis. Last evaluated: 2018-01-29. Review status: criteria provided, single submitter. Criteria: Claustres M et al. (Hum Mutat 2017). Collection method: curation. Allele origin: germline. Affected: yes. Not counted in ClinVar's aggregate classification.

Ambry Genetics
Classification: Pathogenic for Cystic fibrosis. Last evaluated: 2015-04-03. Review status: criteria provided, single submitter. Criteria: Ambry Variant Classification Scheme 2023. Collection method: clinical testing. Allele origin: germline. Not counted in ClinVar's aggregate classification.
Comment: The p.W401* pathogenic mutation (also known as c.1203G>A), located in coding exon 9 of the CFTR gene, results from a G to A substitution at nucleotide position 1203. This changes the amino acid from a tryptophan to a stop codon within coding exon 9. This pathogenic mutation is associated with elevated sweat chloride levels, pancreatic insufficiency (PI), and decreased lung function (Sosnay PR et al. Nat Genet. 2013;45(10):1160-7, Supplementary Table and The Clinical and Functional Translation of CFTR (CFTR2); available at CFTR2. Accessed April 2, 2015). In addition to the clinical data available in the literature, since premature stop codons are typically deleterious in nature, this alteration is interpreted as a disease-causing mutation (ACMG Recommendations for Standards for Interpretation and Reporting of Sequence Variations. Revision 2007. Genet Med. 2008;10:294).

Literature cited by the submitters: PubMed 27475719 (cited by Natera, Inc.); PubMed 12829453 (cited by Natera, Inc.); PubMed 7508414 (cited by Labcorp Genetics (formerly Invitae), Labcorp); PubMed 23974870 (cited by Labcorp Genetics (formerly Invitae), Labcorp and Ambry Genetics); PubMed 1695717 (cited by Labcorp Genetics (formerly Invitae), Labcorp); PubMed 7691345 (cited by Labcorp Genetics (formerly Invitae), Labcorp); PubMed 9725922 (cited by Labcorp Genetics (formerly Invitae), Labcorp).

NM_000492.4(CFTR):c.1203G>A (p.Trp401Ter)

Gene: CFTR (CF transmembrane conductance regulator; plus strand). Cytogenetic location: 7q31.2.
Variant type: single nucleotide variant.
Coding change: c.1203G>A on transcript NM_000492.4 (MANE Select); coding-DNA position 1203, G replaced by A.
Protein change: p.Trp401Ter; replaces tryptophan 401 with a stop codon.
Molecular consequence: nonsense.
Genome position (GRCh38, 1-based): chr7:117,542,102, G>A. VCF-style: chr7-117542102-G-A. GRCh37 (hg19) VCF-style: chr7-117182156-G-A.
Other names: short protein forms W401*.
Identifiers: ClinVar variation 53213 (VCV000053213.10), dbSNP rs397508175, ClinGen allele CA328083.